The following is an entry in ClinVar:

NM_004530.6(MMP2):c.*1062C>T

Gene: MMP2 (matrix metallopeptidase 2; plus strand). Cytogenetic location: 16q12.2.
Variant type: single nucleotide variant.
Coding change: c.*1062C>T on transcript NM_004530.6 (MANE Select); 1062 bases downstream of the stop codon, C replaced by T.
Molecular consequence: 3 prime UTR variant.
Genome position (GRCh38, 1-based): chr16:55,506,504, C>T. VCF-style: chr16-55506504-C-T. GRCh37 (hg19) VCF-style: chr16-55540416-C-T.
Other names: c.*1062C>T (NM_001127891.3, NM_001302508.1, NM_001302509.2 and 1 more transcripts).
Identifiers: ClinVar variation 319786 (VCV000319786.6), dbSNP rs2052264, ClinGen allele CA10648606.

ClinVar aggregate classification (germline): Benign. Review status: criteria provided, multiple submitters, no conflicts (2 of 4 stars). 2 submissions from 2 submitters: Benign (2). Last evaluated 2018-01-13.

Conditions:
Multicentric osteolysis nodulosis arthropathy spectrum. Identifiers: Orphanet 3460, Orphanet 371428, MedGen C1850155, MONDO:0018298.

Allele frequency attached by ClinVar (database versions not stated): gnomAD 0.01592 and 0.01706; 1000 Genomes Project 0.01617; 1000 Genomes Project 30x 0.01640; TOPMed 0.01785.

Submissions (2):

Illumina Laboratory Services, Illumina
Classification: Benign for Multicentric osteolysis, nodulosis, and arthropathy. Last evaluated: 2018-01-13. Review status: criteria provided, single submitter. Criteria: ICSL Variant Classification Criteria 13 December 2019. Collection method: clinical testing. Allele origin: germline.
Comment: This variant was observed in the ICSL laboratory as part of a predisposition screen in an ostensibly healthy population. It had not been previously curated by ICSL or reported in the Human Gene Mutation Database (HGMD: prior to June 1st, 2018), and was therefore a candidate for classification through an automated scoring system. Utilizing variant allele frequency, disease prevalence and penetrance estimates, and inheritance mode, an automated score was calculated to assess if this variant is too frequent to cause the disease. Based on the score and internal cut-off values, a variant classified as benign is not then subjected to further curation. The score for this variant resulted in a classification of benign for this disease.

Breakthrough Genomics
Classification: Benign. Review status: criteria provided, single submitter. Criteria: ACMG Guidelines, 2015. Collection method: not provided. Allele origin: germline. Inheritance: Autosomal recessive inheritance. Affected: yes.